The following is an entry in ClinVar:

NM_018131.5(CEP55):c.878A>G (p.His293Arg)

Gene: CEP55 (centrosomal protein 55; plus strand). Cytogenetic location: 10q23.33.
Variant type: single nucleotide variant.
Coding change: c.878A>G on transcript NM_018131.5 (MANE Select); coding-DNA position 878, A replaced by G.
Protein change: p.His293Arg; replaces histidine 293 with arginine.
Molecular consequence: missense variant.
Genome position (GRCh38, 1-based): chr10:93,517,133, A>G. VCF-style: chr10-93517133-A-G. GRCh37 (hg19) VCF-style: chr10-95276890-A-G.
Other names: c.878A>G (NM_018131.4); c.878A>G, p.His293Arg (NM_001127182.2); short protein forms H293R.
Identifiers: ClinVar variation 2069690 (VCV002069690.6), dbSNP rs898870136, ClinGen allele CA211542932.

ClinVar aggregate classification (germline): Uncertain significance. Review status: criteria provided, multiple submitters, no conflicts (2 of 4 stars). 2 submissions from 2 submitters: Uncertain significance (2). Last evaluated 2023-06-12.

Conditions:
Inborn genetic diseases. Identifiers: MedGen C0950123, MeSH D030342.

Allele frequency attached by ClinVar (database versions not stated): gnomAD 0.00001; TOPMed 0.00001.
gnomAD v4.1: 19 of 1,613,956 alleles (0.0012%); highest among the groups gnomAD compares: Non-Finnish European, 0.0015%; no homozygotes.

Submissions (2):

Ambry Genetics
Classification: Uncertain significance for Inborn genetic diseases. Last evaluated: 2023-06-12. Review status: criteria provided, single submitter. Criteria: Ambry Variant Classification Scheme 2023. Collection method: clinical testing. Allele origin: germline.

Labcorp Genetics (formerly Invitae), Labcorp
Classification: Uncertain significance. Last evaluated: 2022-09-01. Review status: criteria provided, single submitter. Criteria: Invitae Variant Classification Sherloc (09022015). Collection method: clinical testing. Allele origin: germline.
Comment: Algorithms developed to predict the effect of missense changes on protein structure and function (SIFT, PolyPhen-2, Align-GVGD) all suggest that this variant is likely to be tolerated. In summary, the available evidence is currently insufficient to determine the role of this variant in disease. Therefore, it has been classified as a Variant of Uncertain Significance. This variant has not been reported in the literature in individuals affected with CEP55-related conditions. This variant is present in population databases (no rsID available, gnomAD 0.002%). This sequence change replaces histidine, which is basic and polar, with arginine, which is basic and polar, at codon 293 of the CEP55 protein (p.His293Arg).